The following is an entry in ClinVar:

ClinVar aggregate classification (germline): Uncertain significance. Review status: criteria provided, multiple submitters, no conflicts (2 of 4 stars). 3 submissions from 3 submitters: Uncertain significance (3). Last evaluated 2025-07-21.

Conditions:
Colorectal cancer, susceptibility to, 1. Also called: COLORECTAL ADENOMA AND CANCER, SUSCEPTIBILITY TO; COLORECTAL CANCER, SUSCEPTIBILITY TO, ON CHROMOSOME 9. Identifiers: MedGen C1837315, MONDO:0012132, OMIM 608812.

Submissions (3):

Labcorp Genetics (formerly Invitae), Labcorp
Classification: Uncertain significance. Last evaluated: 2025-07-21. Review status: criteria provided, single submitter. Criteria: Invitae Variant Classification Sherloc (09022015). Collection method: clinical testing. Allele origin: germline.
Comment: This variant, c.509_511del, results in the deletion of 1 amino acid(s) of the GALNT12 protein (p.Glu170del), but otherwise preserves the integrity of the reading frame. This variant is present in population databases (rs747224942, gnomAD 0.03%). This variant has not been reported in the literature in individuals affected with GALNT12-related conditions. ClinVar contains an entry for this variant (Variation ID: 825429). Experimental studies and prediction algorithms are not available or were not evaluated, and the functional significance of this variant is currently unknown. In summary, the available evidence is currently insufficient to determine the role of this variant in disease. Therefore, it has been classified as a Variant of Uncertain Significance.

Ambry Genetics
Classification: Uncertain significance. Last evaluated: 2023-11-15. Review status: criteria provided, single submitter. Criteria: Ambry Variant Classification Scheme 2023. Collection method: clinical testing. Allele origin: germline.
Comment: The c.509_511delAAG variant (also known as p.E170del) is located in coding exon 2 of the GALNT12 gene. This variant results from an in-frame AAG deletion at nucleotide positions 509 to 511. This results in the in-frame deletion of a glutamic acid at codon 170. This amino acid position is highly conserved in available vertebrate species. In addition, this alteration is predicted to be deleterious by in silico analysis (Choi Y et al. PLoS ONE. 2012; 7(10):e46688). The evidence for this gene-disease relationship is limited; therefore, the clinical significance of this alteration is unclear.

Baylor Genetics
Classification: Uncertain significance for Colorectal cancer, susceptibility to, 1. Last evaluated: 2023-10-03. Review status: criteria provided, single submitter. Criteria: ACMG Guidelines, 2015. Collection method: clinical testing. Allele origin: unknown.

NM_024642.5(GALNT12):c.506AAG[1] (p.Glu170del)

Gene: GALNT12 (polypeptide N-acetylgalactosaminyltransferase 12; plus strand). Cytogenetic location: 9q22.33.
Variant type: Microsatellite.
Coding change: c.506AAG[1] on transcript NM_024642.5 (MANE Select); one copy of the 3-base unit AAG starting at c.506; the reference has two copies in a row; one copy, 3 bases deleted; also written c.509_511del.
Protein change: p.Glu170del; deletes glutamic acid 170.
Molecular consequence: inframe deletion.
Genome position (GRCh38, 1-based): chr9:98,823,393-98,823,395, AAG deleted; deleting any 3 consecutive bases within chr9:98,823,388-98,823,395 gives the same sequence; the position shown is the placement nearest the transcript's 3' end. VCF-style (leftmost placement, unchanged base first): chr9-98823387-TAGA-T. GRCh37 (hg19) VCF-style: chr9-101585669-TAGA-T.
Other names: c.509_511del (NM_024642.4, NM_024642.5); short protein forms E170del.
Identifiers: ClinVar variation 825429 (VCV000825429.15), dbSNP rs747224942, ClinGen allele CA5153955.